The following is an entry in ClinVar:

ClinVar aggregate classification (germline): Uncertain significance. Review status: criteria provided, multiple submitters, no conflicts (2 of 4 stars). 2 submissions from 2 submitters: Uncertain significance (2). Last evaluated 2025-05-05.

Allele frequency attached by ClinVar (database versions not stated): ExAC 0.00001; gnomAD exomes 0.00001; TOPMed 0.00001.
gnomAD v4.1: 10 of 1,613,264 alleles (0.00062%); highest among the groups gnomAD compares: Admixed American, 0.01%; no homozygotes.

Submissions (2):

Labcorp Genetics (formerly Invitae), Labcorp
Classification: Uncertain significance. Last evaluated: 2025-05-05. Review status: criteria provided, single submitter. Criteria: Invitae Variant Classification Sherloc (09022015). Collection method: clinical testing. Allele origin: germline.
Comment: This sequence change replaces alanine, which is neutral and non-polar, with glycine, which is neutral and non-polar, at codon 352 of the GLYCTK protein (p.Ala352Gly). This variant is present in population databases (rs759478778, gnomAD 0.01%). This variant has not been reported in the literature in individuals affected with GLYCTK-related conditions. ClinVar contains an entry for this variant (Variation ID: 1899744). Invitae Evidence Modeling of protein sequence and biophysical properties (such as structural, functional, and spatial information, amino acid conservation, physicochemical variation, residue mobility, and thermodynamic stability) indicates that this missense variant is not expected to disrupt GLYCTK protein function with a negative predictive value of 80%. In summary, the available evidence is currently insufficient to determine the role of this variant in disease. Therefore, it has been classified as a Variant of Uncertain Significance.

Ambry Genetics
Classification: Uncertain significance. Last evaluated: 2025-04-07. Review status: criteria provided, single submitter. Criteria: Ambry Variant Classification Scheme 2023. Collection method: clinical testing. Allele origin: germline.

NM_145262.4(GLYCTK):c.1055C>G (p.Ala352Gly)

Gene: GLYCTK (glycerate kinase; plus strand). Cytogenetic location: 3p21.2.
Variant type: single nucleotide variant.
Coding change: c.1055C>G on transcript NM_145262.4 (MANE Select); coding-DNA position 1055, C replaced by G.
Protein change: p.Ala352Gly; replaces alanine 352 with glycine.
Molecular consequence: missense variant. On other transcripts: 3 prime UTR variant (1), non-coding transcript variant (2).
Genome position (GRCh38, 1-based): chr3:52,292,609, C>G. VCF-style: chr3-52292609-C-G. GRCh37 (hg19) VCF-style: chr3-52326625-C-G.
Other names: c.*174C>G (NM_001144951.2); c.1055C>G (NM_145262.3); short protein forms A352G.
Identifiers: ClinVar variation 1899744 (VCV001899744.6), dbSNP rs759478778, ClinGen allele CA2432247.
Genomic context (GRCh38, chr3:52,292,609, plus strand): 5'-TGCTGAGTGCAGCCATGCAAGGTGATGTAAAAAGTATGGCCCAGTTCTACGGGCTGCTGG[C>G]CCATGTGGCTAGAACCCGCCTCACCCCATCCATGGCTGGGGCTTCTGTGGAGGAAGATGC-3'
Protein context (NP_660305.2, residues 342-362): KSMAQFYGLL[Ala352Gly]HVARTRLTPS